The following is an entry in ClinVar:

NM_144596.4(TTC8):c.-28T>C

Gene: TTC8 (tetratricopeptide repeat domain 8; plus strand). Cytogenetic location: 14q31.3.
Variant type: single nucleotide variant.
Coding change: c.-28T>C on transcript NM_144596.4 (MANE Select); 28 bases upstream of the start codon, T replaced by C.
Molecular consequence: 5 prime UTR variant. On other transcripts: non-coding transcript variant (1).
Genome position (GRCh38, 1-based): chr14:88,824,680, T>C. VCF-style: chr14-88824680-T-C. GRCh37 (hg19) VCF-style: chr14-89291024-T-C.
Other names: c.-28T>C (NM_001288781.1, NM_001366535.2, NM_001366536.2 and 2 more transcripts); c.-590T>C (NM_001288782.1); c.-685T>C (NM_001288783.1).
Identifiers: ClinVar variation 4981993 (VCV004981993.1).

ClinVar aggregate classification (germline): Uncertain significance (1 of 4 stars; one submission).

Conditions:
TTC8-related disorder. Also called: TTC8-related condition.

gnomAD v4.1: 3 of 1,566,026 alleles (0.00019%); highest among the groups gnomAD compares: African/African-American, 0.0041%; no homozygotes.

Submission:

PreventionGenetics, part of Exact Sciences
Classification: Uncertain significance for TTC8-related condition. Last evaluated: 2025-01-19. Review status: criteria provided, single submitter. Criteria: ACMG Guidelines, 2015. Collection method: clinical testing. Allele origin: germline.
Comment: The TTC8 c.-28T>C variant is located in the 5' untranslated region. To our knowledge, this variant has not been reported in the literature. This variant is reported in 0.0099% of alleles in individuals of African descent in gnomAD. At this time, the clinical significance of this variant is uncertain due to the absence of conclusive functional and genetic evidence.